The following is an entry in ClinVar:

NM_002878.4(RAD51D):c.344A>G (p.Gln115Arg)

Genes: RAD51D (RAD51 paralog D; minus strand), RAD51L3-RFFL (RAD51L3-RFFL readthrough; minus strand). Cytogenetic location: 17q12.
Variant type: single nucleotide variant.
Coding change: c.344A>G on transcript NM_002878.4 (MANE Select); coding-DNA position 344, A replaced by G.
Protein change: p.Gln115Arg; replaces glutamine 115 with arginine.
Molecular consequence: missense variant. On other transcripts: non-coding transcript variant (2), intron variant (1).
Genome position (GRCh38, 1-based): chr17:35,107,367, T>C on the plus strand (A>G on the coding strand, the complement: RAD51D is on the minus strand). VCF-style: chr17-35107367-T-C. GRCh37 (hg19) VCF-style: chr17-33434386-T-C.
Other names: c.404A>G, p.Gln135Arg (NM_001142571.2); c.145-886A>G (NM_133629.3); short protein forms Q115R, Q135R.
Identifiers: ClinVar variation 934207 (VCV000934207.9), dbSNP rs2091619885, ClinGen allele CA399089883.
Genomic context (GRCh38, chr17:35,107,367, plus strand): 5'-GGGCTATGCATCTACCACCCTCACCCCTAAATCCTCCTGACTGCTGGCCTCACATGTACC[T>C]GAGTTTTGCCGCTACCTGGGCCTCCTACAATTTCAGTCACTTCTCCAGTATAGAGACCAG-3'
Protein context (NP_002869.3, residues 105-125): IVGGPGSGKT[Gln115Arg]VCLCMAANVA

ClinVar aggregate classification (germline): Uncertain significance. Review status: criteria provided, multiple submitters, no conflicts (2 of 4 stars). 2 submissions from 2 submitters: Uncertain significance (2). Last evaluated 2026-03-02.

Conditions:
Breast-ovarian cancer, familial, susceptibility to, 4. Identifiers: Orphanet 145, MedGen C3280345, MONDO:0013669, OMIM 614291.
Hereditary cancer-predisposing syndrome. Also called: Tumor predisposition; Hereditary neoplastic syndrome; Hereditary Cancer Syndrome; Neoplastic Syndromes, Hereditary. Identifiers: Orphanet 140162, MedGen C0027672, MeSH D009386, MONDO:0015356.

Submissions (2):

Ambry Genetics
Classification: Uncertain significance for Hereditary cancer-predisposing syndrome. Last evaluated: 2026-03-02. Review status: criteria provided, single submitter. Criteria: Ambry Variant Classification Scheme 2023. Collection method: clinical testing. Allele origin: germline.
Comment: The p.Q115R variant (also known as c.344A>G), located in coding exon 4 of the RAD51D gene, results from an A to G substitution at nucleotide position 344. The glutamine at codon 115 is replaced by arginine, an amino acid with highly similar properties. This amino acid position is highly conserved in available vertebrate species. In addition, this alteration is predicted to be deleterious by in silico analysis. Based on the available evidence, the clinical significance of this variant remains unclear.

Labcorp Genetics (formerly Invitae), Labcorp
Classification: Uncertain significance for Breast-ovarian cancer, familial, susceptibility to, 4. Last evaluated: 2024-06-21. Review status: criteria provided, single submitter. Criteria: Invitae Variant Classification Sherloc (09022015). Collection method: clinical testing. Allele origin: germline.
Comment: This sequence change replaces glutamine, which is neutral and polar, with arginine, which is basic and polar, at codon 115 of the RAD51D protein (p.Gln115Arg). This variant is not present in population databases (gnomAD no frequency). This variant has not been reported in the literature in individuals affected with RAD51D-related conditions. ClinVar contains an entry for this variant (Variation ID: 934207). An algorithm developed to predict the effect of missense changes on protein structure and function (PolyPhen-2) suggests that this variant is likely to be disruptive. Algorithms developed to predict the effect of sequence changes on RNA splicing suggest that this variant may disrupt the consensus splice site. In summary, the available evidence is currently insufficient to determine the role of this variant in disease. Therefore, it has been classified as a Variant of Uncertain Significance.